The following is an entry in ClinVar:

NM_001395403.1(SCYGR2):c.140_141insTGGTGGTGGCTGTGGTGGTGGCTGCGGTGGTGGCTGCGGTGGTGGCTG (p.Gly53_Ser54insGlyCysGlyGlyGlyCysGlyGlyGlyCysGlyGlyGlyCysGlyGly)

Gene: SCYGR2 (small cysteine and glycine repeat containing 2; plus strand). Cytogenetic location: 2q36.3.
Variant type: Microsatellite.
Coding change: c.140_141insTGGTGGTGGCTGTGGTGGTGGCTGCGGTGGTGGCTGCGGTGGTGGCTG on transcript NM_001395403.1 (MANE Select); coding-DNA positions 140 to 141, TGGTGGTGGCTGTGGTGGTGGCTGCGGTGGTGGCTGCGGTGGTGGCTG inserted.
Protein change: p.Gly53_Ser54insGlyCysGlyGlyGlyCysGlyGlyGlyCysGlyGlyGlyCysGlyGly.
Molecular consequence: inframe insertion.
Genome position: GRCh38: chr2:227,599,010-227,599,032. GRCh37 (hg19): chr2:228,463,726-228,463,748.
Identifiers: ClinVar variation 3239221 (VCV003239221.19), dbSNP rs2470467014.

ClinVar aggregate classification (germline): Uncertain significance (1 of 4 stars; one submission).

Submission:

CeGaT Center for Human Genetics Tuebingen
Classification: Uncertain significance. Last evaluated: 2024-05-01. Review status: criteria provided, single submitter. Criteria: CeGaT Center For Human Genetics Tuebingen Variant Classification Criteria Version 2. Collection method: clinical testing. Allele origin: germline. Affected: yes. Observed: 1 variant allele.
Comment: SCYGR2: PM2, BP3